The following is an entry in ClinVar:

NM_000321.3(RB1):c.963del (p.Arg320_Tyr321insTer)

Gene: RB1 (RB transcriptional corepressor 1; plus strand). Cytogenetic location: 13q14.2.
Variant type: Deletion.
Coding change: c.963del on transcript NM_000321.3 (MANE Select); coding-DNA position 963, one base deleted (C; older notation c.963delC).
Protein change: p.Arg320_Tyr321insTer.
Molecular consequence: nonsense.
Genome position (GRCh38, 1-based): chr13:48,367,517, C deleted. VCF-style (leftmost placement, unchanged base first): chr13-48367516-AC-A. GRCh37 (hg19) VCF-style: chr13-48941652-AC-A.
Identifiers: ClinVar variation 998346 (VCV000998346.3), dbSNP rs1952715820, ClinGen allele CA913185018.

ClinVar aggregate classification (germline): Pathogenic. Review status: criteria provided, multiple submitters, no conflicts (2 of 4 stars). 2 submissions from 2 submitters: Pathogenic (2). Last evaluated 2019-09-11.

Conditions:
Retinoblastoma (RB1). Also called: RETINOBLASTOMA, SOMATIC. Identifiers: Orphanet 790, MedGen C0035335, MeSH D012175, MONDO:0008380, OMIM 180200, HP:0009919. Disease mechanism: loss of function. Inheritance: Both sporadic and heritable forms are tested..
Hereditary cancer-predisposing syndrome. Also called: Neoplastic Syndromes, Hereditary; Hereditary Cancer Syndrome; Tumor predisposition; Hereditary neoplastic syndrome. Identifiers: Orphanet 140162, MedGen C0027672, MeSH D009386, MONDO:0015356.

Submissions (2):

Baylor Genetics
Classification: Pathogenic for Retinoblastoma. Last evaluated: 2019-09-11. Review status: criteria provided, single submitter. Criteria: ACMG Guidelines, 2015. Collection method: clinical testing. Allele origin: unknown. Affected: yes. Study: CSER-TexasKidsCanSeq.
Comment: This variant was determined to be pathogenic according to ACMG Guidelines, 2015 [PMID:25741868].

Ambry Genetics
Classification: Pathogenic for Hereditary cancer-predisposing syndrome. Last evaluated: 2018-12-20. Review status: criteria provided, single submitter. Criteria: Ambry Variant Classification Scheme 2023. Collection method: clinical testing. Allele origin: germline.
Comment: The c.963delC pathogenic mutation (also known as p.Y321*), located in coding exon 10 of the RB1 gene, results from a deletion of one nucleotide at nucleotide position 963. This changes the amino acid from a tyrosine to a stop codon within coding exon 10. This alteration is expected to result in loss of function by premature protein truncation or nonsense-mediated mRNA decay. As such, this alteration is interpreted as a disease-causing mutation.